The following is an entry in ClinVar:

NM_000179.3(MSH6):c.631G>C (p.Gly211Arg)

Gene: MSH6 (mutS homolog 6; plus strand). Cytogenetic location: 2p16.3.
Variant type: single nucleotide variant.
Coding change: c.631G>C on transcript NM_000179.3 (MANE Select); coding-DNA position 631, G replaced by C.
Protein change: p.Gly211Arg; replaces glycine 211 with arginine.
Molecular consequence: missense variant. On other transcripts: 5 prime UTR variant (8), non-coding transcript variant (4), intron variant (1), splice acceptor variant (1).
Genome position (GRCh38, 1-based): chr2:47,798,614, G>C. VCF-style: chr2-47798614-G-C. GRCh37 (hg19) VCF-style: chr2-48025753-G-C.
Other names: c.241G>C, p.Gly81Arg (NM_001281492.2); c.-276G>C (NM_001281493.2, NM_001406811.1, NM_001406812.1 and 5 more transcripts); c.727G>C, p.Gly243Arg (NM_001406795.1, NM_001406802.1); c.631G>C, p.Gly211Arg (NM_001406796.1, NM_001406798.1, NM_001406800.1 and 4 more transcripts); c.334G>C, p.Gly112Arg (NM_001406797.1, NM_001406801.1, NM_001406805.1 and 10 more transcripts); c.106G>C, p.Gly36Arg (NM_001406799.1, NM_001406806.1, NM_001406807.1); c.553G>C, p.Gly185Arg (NM_001406804.1); c.637G>C, p.Gly213Arg (NM_001406813.1); and 3 more; short protein forms G211R, G81R, G112R, G155R, G185R, G213R, G243R, G36R.
Identifiers: ClinVar variation 483803 (VCV000483803.5), dbSNP rs786204153, ClinGen allele CA346739213.

ClinVar aggregate classification (germline): Uncertain significance (1 of 4 stars; one submission).

Conditions:
Hereditary cancer-predisposing syndrome. Also called: Neoplastic Syndromes, Hereditary; Tumor predisposition; Hereditary Cancer Syndrome; Hereditary neoplastic syndrome. Identifiers: Orphanet 140162, MedGen C0027672, MeSH D009386, MONDO:0015356.

Submission:

Ambry Genetics
Classification: Uncertain significance for Hereditary cancer-predisposing syndrome. Last evaluated: 2016-05-26. Review status: criteria provided, single submitter. Criteria: Ambry Variant Classification Scheme 2023. Collection method: clinical testing. Allele origin: germline.
Comment: The p.G211R variant (also known as c.631G>C), located in coding exon 4 of the MSH6 gene, results from a G to C substitution at nucleotide position 631. The glycine at codon 211 is replaced by arginine, an amino acid with dissimilar properties. This variant was not reported in population based cohorts in the following databases: Database of Single Nucleotide Polymorphisms (dbSNP), NHLBI Exome Sequencing Project (ESP), and 1000 Genomes Project. In the ESP, this variant was not observed in 6503 samples (13006 alleles) with coverage at this position. To date, this alteration has been detected with an allele frequency of approximately 0.001% (greater than 150000 alleles tested) in our clinical cohort. This amino acid position is not well conserved in available vertebrate species. In addition, this alteration is predicted to be tolerated by in silico analysis. In addition, the CoDP in silico tool predicts this alteration to have a minor impact on molecular function, with a score of 0.007 (Terui H et al. J. Biomed. Sci. 2013;20:25). Since supporting evidence is limited at this time, the clinical significance of this alteration remains unclear.